The following is an entry in ClinVar:

ClinVar aggregate classification (germline): Uncertain significance. Review status: criteria provided, multiple submitters, no conflicts (2 of 4 stars). 2 submissions from 2 submitters: Uncertain significance (2). Last evaluated 2024-05-08.

Conditions:
Inborn genetic diseases. Identifiers: MedGen C0950123, MeSH D030342.

Allele frequency attached by ClinVar (database versions not stated): 1000 Genomes Project 30x 0.00016; 1000 Genomes Project 0.00020.
gnomAD v4.1: 22 of 1,614,030 alleles (0.0014%); highest among the groups gnomAD compares: South Asian, 0.018%; no homozygotes.

Submissions (2):

Ambry Genetics
Classification: Uncertain significance for Inborn genetic diseases. Last evaluated: 2024-05-08. Review status: criteria provided, single submitter. Criteria: Ambry Variant Classification Scheme 2023. Collection method: clinical testing. Allele origin: germline.

Labcorp Genetics (formerly Invitae), Labcorp
Classification: Uncertain significance. Last evaluated: 2022-08-09. Review status: criteria provided, single submitter. Criteria: Invitae Variant Classification Sherloc (09022015). Collection method: clinical testing. Allele origin: germline.
Comment: This variant has not been reported in the literature in individuals affected with LAMC3-related conditions. In summary, the available evidence is currently insufficient to determine the role of this variant in disease. Therefore, it has been classified as a Variant of Uncertain Significance. Algorithms developed to predict the effect of missense changes on protein structure and function are either unavailable or do not agree on the potential impact of this missense change (SIFT: "Tolerated"; PolyPhen-2: "Possibly Damaging"; Align-GVGD: "Class C0"). ClinVar contains an entry for this variant (Variation ID: 1359531). This variant is present in population databases (rs142041428, gnomAD 0.02%). This sequence change replaces proline, which is neutral and non-polar, with histidine, which is basic and polar, at codon 622 of the LAMC3 protein (p.Pro622His).

NM_006059.4(LAMC3):c.1865C>A (p.Pro622His)

Gene: LAMC3 (laminin subunit gamma 3; plus strand). Cytogenetic location: 9q34.12.
Variant type: single nucleotide variant.
Coding change: c.1865C>A on transcript NM_006059.4 (MANE Select); coding-DNA position 1865, C replaced by A.
Protein change: p.Pro622His; replaces proline 622 with histidine.
Molecular consequence: missense variant.
Genome position (GRCh38, 1-based): chr9:131,052,891, C>A. VCF-style: chr9-131052891-C-A. GRCh37 (hg19) VCF-style: chr9-133928278-C-A.
Other names: c.1865C>A (NM_006059.3); short protein forms P622H.
Identifiers: ClinVar variation 1359531 (VCV001359531.5), dbSNP rs142041428, ClinGen allele CA5287249.